The following is an entry in ClinVar:

NM_001367624.2(ZNF469):c.4070C>A (p.Ala1357Asp)

Gene: ZNF469 (zinc finger protein 469; plus strand). Cytogenetic location: 16q24.2.
Variant type: single nucleotide variant.
Coding change: c.4070C>A on transcript NM_001367624.2 (MANE Select); coding-DNA position 4070, C replaced by A.
Protein change: p.Ala1357Asp; replaces alanine 1357 with aspartic acid.
Molecular consequence: missense variant.
Genome position (GRCh38, 1-based): chr16:88,431,540, C>A. VCF-style: chr16-88431540-C-A. GRCh37 (hg19) VCF-style: chr16-88497948-C-A.
Other names: NM_001127464.1:c.3986C>A; short protein forms A1357D.
Identifiers: ClinVar variation 3258276 (VCV003258276.1).

ClinVar aggregate classification (germline): Uncertain significance (1 of 4 stars; one submission).

Conditions:
Cardiovascular phenotype. Identifiers: MedGen CN230736.

gnomAD v4.1: 1 of 1,550,434 alleles (0.000064%); highest among the groups gnomAD compares: East Asian, 0.0024%; no homozygotes.

Submission:

Ambry Genetics
Classification: Uncertain significance for Cardiovascular phenotype. Last evaluated: 2024-06-03. Review status: criteria provided, single submitter. Criteria: Ambry Variant Classification Scheme 2023. Collection method: clinical testing. Allele origin: germline.
Comment: The p.A1329D variant (also known as c.3986C>A), located in coding exon 2 of the ZNF469 gene, results from a C to A substitution at nucleotide position 3986. The alanine at codon 1329 is replaced by aspartic acid, an amino acid with dissimilar properties. This amino acid position is conserved. In addition, this alteration is predicted to be tolerated by in silico analysis. Based on the available evidence, the clinical significance of this variant remains unclear.